The following is an entry in ClinVar:

ClinVar aggregate classification (germline): Uncertain significance (1 of 4 stars; one submission).

Conditions:
Axenfeld-Rieger syndrome type 3 (RIEG3). Also called: AXENFELD-RIEGER ANOMALY WITH CARDIAC DEFECTS AND/OR SENSORINEURAL HEARING LOSS. Identifiers: Orphanet 782, MedGen C2678503, MONDO:0011233, OMIM 602482.

Allele frequency attached by ClinVar (database versions not stated): gnomAD exomes below 0.00001.

Submission:

Labcorp Genetics (formerly Invitae), Labcorp
Classification: Uncertain significance for Axenfeld-Rieger syndrome type 3. Last evaluated: 2023-11-13. Review status: criteria provided, single submitter. Criteria: Invitae Variant Classification Sherloc (09022015). Collection method: clinical testing. Allele origin: germline.
Comment: This sequence change replaces arginine, which is basic and polar, with glycine, which is neutral and non-polar, at codon 188 of the FOXC1 protein (p.Arg188Gly). This variant is not present in population databases (gnomAD no frequency). This variant has not been reported in the literature in individuals affected with FOXC1-related conditions. An algorithm developed to predict the effect of missense changes on protein structure and function (PolyPhen-2) suggests that this variant is likely to be tolerated. In summary, the available evidence is currently insufficient to determine the role of this variant in disease. Therefore, it has been classified as a Variant of Uncertain Significance.

NM_001453.3(FOXC1):c.562A>G (p.Arg188Gly)

Gene: FOXC1 (forkhead box C1; plus strand). Cytogenetic location: 6p25.3.
Variant type: single nucleotide variant.
Coding change: c.562A>G on transcript NM_001453.3 (MANE Select); coding-DNA position 562, A replaced by G.
Protein change: p.Arg188Gly; replaces arginine 188 with glycine.
Molecular consequence: missense variant.
Genome position (GRCh38, 1-based): chr6:1,611,007, A>G. VCF-style: chr6-1611007-A-G. GRCh37 (hg19) VCF-style: chr6-1611242-A-G.
Other names: short protein forms R188G.
Identifiers: ClinVar variation 2710507 (VCV002710507.3), dbSNP rs1485684451, ClinGen allele CA362559101.